The following is an entry in ClinVar:

ClinVar aggregate classification (germline): Uncertain significance (1 of 4 stars; one submission).

gnomAD v4.1: 15 of 1,602,582 alleles (0.00094%); highest among the groups gnomAD compares: South Asian, 0.0011%; no homozygotes.

Submission:

Women's Health and Genetics/Laboratory Corporation of America, LabCorp
Classification: Uncertain significance. Last evaluated: 2025-12-05. Review status: criteria provided, single submitter. Criteria: LabCorp Variant Classification Summary - May 2015. Collection method: clinical testing. Allele origin: germline.
Comment: Variant summary: ABCA2 c.1940C>T (p.Ser647Leu) results in a non-conservative amino acid change in the encoded protein sequence. Algorithms developed to predict the effect of missense changes on protein structure and function all suggest that this variant is likely to be disruptive. The variant allele was found at a frequency of 4.1e-06 in 246354 control chromosomes. The available data on variant occurrences in the general population are insufficient to allow any conclusion about variant significance. To our knowledge, no occurrence of c.1940C>T in individuals affected with ABCA2-related conditions and no experimental evidence demonstrating its impact on protein function have been reported. No submitters have cited clinical-significance assessments for this variant to ClinVar. Based on the evidence outlined above, the variant was classified as uncertain significance.

NM_001606.5(ABCA2):c.1850C>T (p.Ser617Leu)

Gene: ABCA2 (ATP binding cassette subfamily A member 2; minus strand). Cytogenetic location: 9q34.3.
Variant type: single nucleotide variant.
Coding change: c.1850C>T on transcript NM_001606.5 (MANE Select); coding-DNA position 1850, C replaced by T.
Protein change: p.Ser617Leu; replaces serine 617 with leucine.
Molecular consequence: missense variant.
Genome position (GRCh38, 1-based): chr9:137,018,321, G>A on the plus strand (C>T on the coding strand, the complement: ABCA2 is on the minus strand). VCF-style: chr9-137018321-G-A. GRCh37 (hg19) VCF-style: chr9-139912773-G-A.
Other names: c.1847C>T, p.Ser616Leu (NM_001411042.1); c.1940C>T, p.Ser647Leu (NM_212533.3); short protein forms S616L, S617L, S647L.
Identifiers: ClinVar variation 4688551 (VCV004688551.1).